The following is an entry in ClinVar:

NC_000010.10:g.(?_50821083)_(50874150_?)dup

Gene: CHAT (choline O-acetyltransferase; plus strand). Cytogenetic location: 10q11.23.
Variant type: Duplication.
Identifiers: ClinVar variation 1041093 (VCV001041093.2).

ClinVar aggregate classification (germline): Uncertain significance (1 of 4 stars; one submission).

Conditions:
Familial infantile myasthenia (CMS6). Also called: Congenital myasthenic syndrome type 6; MYASTHENIC SYNDROME, CONGENITAL, 6, PRESYNAPTIC; MYASTHENIC SYNDROME, PRESYNAPTIC, CONGENITAL, ASSOCIATED WITH EPISODIC APNEA. Identifiers: Orphanet 590, MedGen C0393929, MONDO:0009689, OMIM 254210.

Submission:

Labcorp Genetics (formerly Invitae), Labcorp
Classification: Uncertain significance for Familial infantile myasthenia. Last evaluated: 2021-04-06. Review status: criteria provided, single submitter. Criteria: Invitae Variant Classification Sherloc (09022015). Collection method: clinical testing. Allele origin: germline.
Comment: This variant results in a copy number gain of the genomic region encompassing the full coding sequence of the CHAT gene. The boundaries of this event are unknown as they extend beyond the assayed region for this gene and therefore may encompass additional genes. As the precise location of this event is unknown, it may be in tandem or it may be located elsewhere in the genome. Isolated whole-gene copy number gains of CHAT have not been reported in the literature. However, larger copy number events that include this gene have been reported (PMID: 21948486). In summary, the available evidence is currently insufficient to determine the role of this variant in disease. Therefore, it has been classified as a Variant of Uncertain Significance.

Literature cited by the submitters: PubMed 21948486.